The following is an entry in ClinVar:

NM_004304.5(ALK):c.812C>G (p.Pro271Arg)

Gene: ALK (ALK receptor tyrosine kinase; minus strand). Cytogenetic location: 2p23.2.
Variant type: single nucleotide variant.
Coding change: c.812C>G on transcript NM_004304.5 (MANE Select); coding-DNA position 812, C replaced by G.
Protein change: p.Pro271Arg; replaces proline 271 with arginine.
Molecular consequence: missense variant.
Genome position (GRCh38, 1-based): chr2:29,694,990, G>C on the plus strand (C>G on the coding strand, the complement: ALK is on the minus strand). VCF-style: chr2-29694990-G-C. GRCh37 (hg19) VCF-style: chr2-29917856-G-C.
Other names: short protein forms P271R.
Identifiers: ClinVar variation 470902 (VCV000470902.10), dbSNP rs1553348534, ClinGen allele CA346587094.
Genomic context (GRCh38, chr2:29,694,990, plus strand): 5'-CGCCAGGACCAGCTCTGGTTCCTGAGGTCATGCAGTGGAGGGGAATACTCCAGCTCACAG[G>C]GGAAGTCAAAGCTGCACTCCAGACCTGCAATAATAGCCAAGGGTCAATGGAAAAAACCAT-3'
Protein context (NP_004295.2, residues 261-281): RYGLECSFDF[Pro271Arg]CELEYSPPLH

ClinVar aggregate classification (germline): Uncertain significance. Review status: criteria provided, multiple submitters, no conflicts (2 of 4 stars). 2 submissions from 2 submitters: Uncertain significance (2). Last evaluated 2025-06-28.

Conditions:
Hereditary cancer-predisposing syndrome. Also called: Hereditary neoplastic syndrome; Neoplastic Syndromes, Hereditary; Tumor predisposition; Hereditary Cancer Syndrome. Identifiers: Orphanet 140162, MedGen C0027672, MeSH D009386, MONDO:0015356.
Neuroblastoma, susceptibility to, 3. Also called: ALK-Related Neuroblastic Tumor Susceptibility. Identifiers: Orphanet 635, MedGen C2751681, MONDO:0013083, OMIM 613014.

Submissions (2):

Ambry Genetics
Classification: Uncertain significance for Hereditary cancer-predisposing syndrome. Last evaluated: 2025-06-28. Review status: criteria provided, single submitter. Criteria: Ambry Variant Classification Scheme 2023. Collection method: clinical testing. Allele origin: germline.
Comment: The p.P271R variant (also known as c.812C>G), located in coding exon 3 of the ALK gene, results from a C to G substitution at nucleotide position 812. The proline at codon 271 is replaced by arginine, an amino acid with dissimilar properties. This amino acid position is conserved. In addition, the in silico prediction for this alteration is inconclusive. Based on the available evidence, the clinical significance of this variant remains unclear.

Labcorp Genetics (formerly Invitae), Labcorp
Classification: Uncertain significance for Neuroblastoma, susceptibility to, 3. Last evaluated: 2024-03-17. Review status: criteria provided, single submitter. Criteria: Invitae Variant Classification Sherloc (09022015). Collection method: clinical testing. Allele origin: germline.
Comment: This sequence change replaces proline, which is neutral and non-polar, with arginine, which is basic and polar, at codon 271 of the ALK protein (p.Pro271Arg). This variant is not present in population databases (gnomAD no frequency). This variant has not been reported in the literature in individuals affected with ALK-related conditions. ClinVar contains an entry for this variant (Variation ID: 470902). An algorithm developed to predict the effect of missense changes on protein structure and function (PolyPhen-2) suggests that this variant is likely to be disruptive. In summary, the available evidence is currently insufficient to determine the role of this variant in disease. Therefore, it has been classified as a Variant of Uncertain Significance.